The following is an entry in ClinVar:

NM_000246.4(CIITA):c.2676G>A (p.Thr892=)

Gene: CIITA (class II major histocompatibility complex transactivator; plus strand). Cytogenetic location: 16p13.13.
Variant type: single nucleotide variant.
Coding change: c.2676G>A on transcript NM_000246.4 (MANE Select); coding-DNA position 2676, G replaced by A.
Protein change: p.Thr892=; no amino-acid change (threonine 892 retained).
Molecular consequence: synonymous variant.
Genome position (GRCh38, 1-based): chr16:10,909,047, G>A. VCF-style: chr16-10909047-G-A. GRCh37 (hg19) VCF-style: chr16-11002904-G-A.
Other names: p.Thr892=; c.2679G>A, p.Thr893= (NM_001286402.1, NM_001379332.1); c.924G>A, p.Thr308= (NM_001286403.2); c.2532G>A, p.Thr844= (NM_001379330.1); c.2529G>A, p.Thr843= (NM_001379331.1); c.2676G>A, p.Thr892= (NM_001379333.1); c.2607G>A, p.Thr869= (NM_001379334.1).
Identifiers: ClinVar variation 317717 (VCV000317717.25), dbSNP rs2228238, ClinGen allele CA7900465.

ClinVar aggregate classification (germline): Benign/Likely benign. Review status: criteria provided, multiple submitters, no conflicts (2 of 4 stars). 9 submissions from 9 submitters: Benign (7); Likely benign (1). 1 of the submissions does not count toward it. Last evaluated 2026-02-04.

Conditions:
MHC class II deficiency. Also called: Bare lymphocyte syndrome 2; BLS, TYPE II. Identifiers: Orphanet 572, MedGen C5447452, MONDO:0008855.

Allele frequency attached by ClinVar (database versions not stated): TOPMed 0.63118; ESP Exome Variant Server 0.63468; gnomAD 0.64681 and 0.65202; 1000 Genomes Project 30x 0.65178; 1000 Genomes Project 0.66314; gnomAD exomes 0.68204 and 0.70232; ExAC 0.68396.
gnomAD v4.1: 1,125,208 of 1,613,932 alleles (70%); highest among the groups gnomAD compares: East Asian, 80%; 395,596 homozygotes.

Submissions (9):

Labcorp Genetics (formerly Invitae), Labcorp
Classification: Benign for MHC class II deficiency. Last evaluated: 2026-02-04. Review status: criteria provided, single submitter. Criteria: Invitae Variant Classification Sherloc (09022015). Collection method: clinical testing. Allele origin: germline.

Women's Health and Genetics/Laboratory Corporation of America, LabCorp
Classification: Benign. Last evaluated: 2026-01-21. Review status: criteria provided, single submitter. Criteria: LabCorp Variant Classification Summary - May 2015. Collection method: clinical testing. Allele origin: germline.

Blueprint Genetics
Classification: Likely benign. Last evaluated: 2024-11-27. Review status: criteria provided, single submitter. Criteria: ACMG Guidelines, 2015. Collection method: clinical testing. Allele origin: germline.

Genome-Nilou Lab
Classification: Benign for MHC class II deficiency 1. Last evaluated: 2021-07-10. Review status: criteria provided, single submitter. Criteria: ACMG Guidelines, 2015. Collection method: clinical testing. Allele origin: germline. Affected: no.

Mayo Clinic Laboratories, Mayo Clinic
Classification: Benign. Last evaluated: 2018-03-21. Review status: criteria provided, single submitter. Criteria: ACMG Guidelines, 2015. Collection method: clinical testing. Allele origin: germline. Observed: 94 variant alleles.

Illumina Laboratory Services, Illumina
Classification: Benign for MHC class II deficiency 1. Last evaluated: 2018-01-12. Review status: criteria provided, single submitter. Criteria: ICSL Variant Classification Criteria 13 December 2019. Collection method: clinical testing. Allele origin: germline.
Comment: This variant was observed in the ICSL laboratory as part of a predisposition screen in an ostensibly healthy population. It had not been previously curated by ICSL or reported in the Human Gene Mutation Database (HGMD: prior to June 1st, 2018), and was therefore a candidate for classification through an automated scoring system. Utilizing variant allele frequency, disease prevalence and penetrance estimates, and inheritance mode, an automated score was calculated to assess if this variant is too frequent to cause the disease. Based on the score and internal cut-off values, a variant classified as benign is not then subjected to further curation. The score for this variant resulted in a classification of benign for this disease.

Laboratory for Molecular Medicine, Mass General Brigham Personalized Medicine
Classification: Benign. Last evaluated: 2016-03-28. Review status: criteria provided, single submitter. Criteria: LMM Criteria. Collection method: clinical testing. Allele origin: germline.
Comment: Variant identified in a genome or exome case(s) and assessed due to predicted null impact of the variant or pathogenic assertions in the literature or databases. Disclaimer: This variant has not undergone full assessment. The following are preliminary notes: Frequency

Breakthrough Genomics
Classification: Benign. Review status: criteria provided, single submitter. Criteria: ACMG Guidelines, 2015. Collection method: not provided. Allele origin: germline. Inheritance: Autosomal recessive inheritance. Affected: yes.

Natera, Inc.
Classification: Benign for Bare lymphocyte syndrome type II. Last evaluated: 2020-09-16. Review status: no assertion criteria provided. Collection method: clinical testing. Allele origin: germline. Not counted in ClinVar's aggregate classification.